The following is an entry in ClinVar:

NM_004380.3(CREBBP):c.3706T>A (p.Phe1236Ile)

Gene: CREBBP (CREB binding lysine acetyltransferase; minus strand). Cytogenetic location: 16p13.3.
Variant type: single nucleotide variant.
Coding change: c.3706T>A on transcript NM_004380.3 (MANE Select); coding-DNA position 3706, T replaced by A.
Protein change: p.Phe1236Ile; replaces phenylalanine 1236 with isoleucine.
Molecular consequence: missense variant.
Genome position (GRCh38, 1-based): chr16:3,751,799, A>T on the plus strand (T>A on the coding strand, the complement: CREBBP is on the minus strand). VCF-style: chr16-3751799-A-T. GRCh37 (hg19) VCF-style: chr16-3801800-A-T.
Other names: c.3592T>A, p.Phe1198Ile (NM_001079846.1); short protein forms F1198I, F1236I.
Identifiers: ClinVar variation 1721525 (VCV001721525.5), dbSNP rs2548384659, ClinGen allele CA394568133.

ClinVar aggregate classification (germline): Uncertain significance (1 of 4 stars; one submission).

Conditions:
Rubinstein-Taybi syndrome (RSTS). Identifiers: Orphanet 783, MedGen C0035934, MONDO:0019188.

Submission:

Labcorp Genetics (formerly Invitae), Labcorp
Classification: Uncertain significance for Rubinstein-Taybi syndrome. Last evaluated: 2024-06-03. Review status: criteria provided, single submitter. Criteria: Invitae Variant Classification Sherloc (09022015). Collection method: clinical testing. Allele origin: germline.
Comment: This sequence change replaces phenylalanine, which is neutral and non-polar, with isoleucine, which is neutral and non-polar, at codon 1236 of the CREBBP protein (p.Phe1236Ile). This variant is not present in population databases (gnomAD no frequency). This variant has not been reported in the literature in individuals affected with CREBBP-related conditions. ClinVar contains an entry for this variant (Variation ID: 1721525). Advanced modeling of protein sequence and biophysical properties (such as structural, functional, and spatial information, amino acid conservation, physicochemical variation, residue mobility, and thermodynamic stability) performed at Invitae indicates that this missense variant is expected to disrupt CREBBP protein function with a positive predictive value of 95%. In summary, the available evidence is currently insufficient to determine the role of this variant in disease. Therefore, it has been classified as a Variant of Uncertain Significance.